The following is an entry in ClinVar:

NM_004380.3(CREBBP):c.2582C>A (p.Ser861Tyr)

Gene: CREBBP (CREB binding lysine acetyltransferase; minus strand). Cytogenetic location: 16p13.3.
Variant type: single nucleotide variant.
Coding change: c.2582C>A on transcript NM_004380.3 (MANE Select); coding-DNA position 2582, C replaced by A.
Protein change: p.Ser861Tyr; replaces serine 861 with tyrosine.
Molecular consequence: missense variant.
Genome position (GRCh38, 1-based): chr16:3,770,868, G>T on the plus strand (C>A on the coding strand, the complement: CREBBP is on the minus strand). VCF-style: chr16-3770868-G-T. GRCh37 (hg19) VCF-style: chr16-3820869-G-T.
Other names: c.2468C>A, p.Ser823Tyr (NM_001079846.1); short protein forms S823Y, S861Y.
Identifiers: ClinVar variation 4736892 (VCV004736892.1).

ClinVar aggregate classification (germline): Uncertain significance (1 of 4 stars; one submission).

Conditions:
Rubinstein-Taybi syndrome (RSTS). Identifiers: Orphanet 783, MedGen C0035934, MONDO:0019188.

gnomAD v4.1: 1 of 1,613,958 alleles (0.000062%); highest among the groups gnomAD compares: Non-Finnish European, 0.000085%; no homozygotes.

Submission:

Labcorp Genetics (formerly Invitae), Labcorp
Classification: Uncertain significance for Rubinstein-Taybi syndrome. Last evaluated: 2025-12-16. Review status: criteria provided, single submitter. Criteria: Invitae Variant Classification Sherloc (09022015). Collection method: clinical testing. Allele origin: germline.
Comment: This sequence change replaces serine, which is neutral and polar, with tyrosine, which is neutral and polar, at codon 861 of the CREBBP protein (p.Ser861Tyr). This variant is not present in population databases (gnomAD no frequency). This variant has not been reported in the literature in individuals affected with CREBBP-related conditions. Invitae Evidence Modeling of protein sequence and biophysical properties (such as structural, functional, and spatial information, amino acid conservation, physicochemical variation, residue mobility, and thermodynamic stability) indicates that this missense variant is not expected to disrupt CREBBP protein function with a negative predictive value of 95%. In summary, the available evidence is currently insufficient to determine the role of this variant in disease. Therefore, it has been classified as a Variant of Uncertain Significance.